The following is an entry in ClinVar:

ClinVar aggregate classification (germline): Uncertain significance (1 of 4 stars; one submission).

Submission:

GeneDx
Classification: Uncertain significance. Last evaluated: 2023-12-12. Review status: criteria provided, single submitter. Criteria: GeneDx Variant Classification Process June 2021. Collection method: clinical testing. Allele origin: germline. Affected: yes.
Comment: Not observed at significant frequency in large population cohorts (gnomAD); In silico analysis supports that this missense variant does not alter protein structure/function; Has not been previously published as pathogenic or benign to our knowledge

NM_015267.4(CUX2):c.4258A>G (p.Ile1420Val)

Gene: CUX2 (cut like homeobox 2; plus strand). Cytogenetic location: 12q24.12.
Variant type: single nucleotide variant.
Coding change: c.4258A>G on transcript NM_015267.4 (MANE Select); coding-DNA position 4258, A replaced by G.
Protein change: p.Ile1420Val; replaces isoleucine 1420 with valine.
Molecular consequence: missense variant.
Genome position (GRCh38, 1-based): chr12:111,348,122, A>G. VCF-style: chr12-111348122-A-G. GRCh37 (hg19) VCF-style: chr12-111785926-A-G.
Other names: c.4072A>G, p.Ile1358Val (NM_001370598.1); short protein forms I1358V, I1420V.
Identifiers: ClinVar variation 3253359 (VCV003253359.1), dbSNP rs2499944543.